The following is an entry in ClinVar:

ClinVar aggregate classification (germline): Uncertain significance. Review status: criteria provided, multiple submitters, no conflicts (2 of 4 stars). 3 submissions from 3 submitters: Uncertain significance (3). Last evaluated 2025-10-23.

Conditions:
Inborn genetic diseases. Identifiers: MedGen C0950123, MeSH D030342.
Autosomal dominant Parkinson disease 8. Also called: LRRK2-Related Parkinson Disease; Parkinson disease 8; Parkinson disease 8, susceptibility to. Identifiers: Orphanet 411602, MedGen C1846862, MONDO:0011764, OMIM 607060.

Allele frequency attached by ClinVar (database versions not stated): gnomAD 0.00002 and 0.00003; TOPMed 0.00002; ESP Exome Variant Server 0.00008; ExAC 0.00001; gnomAD exomes 0.00001.
gnomAD v4.1: 43 of 1,613,974 alleles (0.0027%); highest among the groups gnomAD compares: Non-Finnish European, 0.0029%; no homozygotes.

Submissions (3):

Ambry Genetics
Classification: Uncertain significance for Inborn genetic diseases. Last evaluated: 2025-10-23. Review status: criteria provided, single submitter. Criteria: Ambry Variant Classification Scheme 2023. Collection method: clinical testing. Allele origin: germline.

Women's Health and Genetics/Laboratory Corporation of America, LabCorp
Classification: Uncertain significance. Last evaluated: 2023-10-18. Review status: criteria provided, single submitter. Criteria: LabCorp Variant Classification Summary - May 2015. Collection method: clinical testing. Allele origin: germline.
Comment: Variant summary: LRRK2 c.3026A>C (p.His1009Pro) results in a non-conservative amino acid change in the encoded protein sequence. Three of five in-silico tools predict a damaging effect of the variant on protein function. The variant allele was found at a frequency of 8e-06 in 250898 control chromosomes. The available data on variant occurrences in the general population are insufficient to allow any conclusion about variant significance. To our knowledge, no occurrence of c.3026A>C in individuals affected with Parkinson Disease 8, Autosomal Dominant and no experimental evidence demonstrating its impact on protein function have been reported. Two submitters have cited clinical-significance assessments for this variant to ClinVar after 2014. All submitters classified the variant as uncertain significance. Based on the evidence outlined above, the variant was classified as uncertain significance.

Illumina Laboratory Services, Illumina
Classification: Uncertain significance for Autosomal dominant Parkinson disease 8. Last evaluated: 2018-01-13. Review status: criteria provided, single submitter. Criteria: ICSL Variant Classification Criteria 13 December 2019. Collection method: clinical testing. Allele origin: germline.

NM_198578.4(LRRK2):c.3026A>C (p.His1009Pro)

Gene: LRRK2 (leucine rich repeat kinase 2; plus strand). Cytogenetic location: 12q12.
Variant type: single nucleotide variant.
Coding change: c.3026A>C on transcript NM_198578.4 (MANE Select); coding-DNA position 3026, A replaced by C.
Protein change: p.His1009Pro; replaces histidine 1009 with proline.
Molecular consequence: missense variant.
Genome position (GRCh38, 1-based): chr12:40,295,574, A>C. VCF-style: chr12-40295574-A-C. GRCh37 (hg19) VCF-style: chr12-40689376-A-C.
Other names: short protein forms H1009P.
Identifiers: ClinVar variation 308623 (VCV000308623.10), dbSNP rs375146075, ClinGen allele CA6513806.